The following is an entry in ClinVar:

NM_018192.4(P3H2):c.607G>A (p.Val203Ile)

Gene: P3H2 (prolyl 3-hydroxylase 2; minus strand). Cytogenetic location: 3q28.
Variant type: single nucleotide variant.
Coding change: c.607G>A on transcript NM_018192.4 (MANE Select); coding-DNA position 607, G replaced by A.
Protein change: p.Val203Ile; replaces valine 203 with isoleucine.
Molecular consequence: missense variant.
Genome position (GRCh38, 1-based): chr3:189,995,316, C>T on the plus strand (G>A on the coding strand, the complement: P3H2 is on the minus strand). VCF-style: chr3-189995316-C-T. GRCh37 (hg19) VCF-style: chr3-189713105-C-T.
Other names: c.64G>A, p.Val22Ile (NM_001134418.2); c.607G>A (NM_018192.3); short protein forms V203I, V22I.
Identifiers: ClinVar variation 1519084 (VCV001519084.5), dbSNP rs765474828, ClinGen allele CA2753297.

ClinVar aggregate classification (germline): Uncertain significance. Review status: criteria provided, multiple submitters, no conflicts (2 of 4 stars). 3 submissions from 3 submitters: Uncertain significance (3). Last evaluated 2022-12-07.

Conditions:
Inborn genetic diseases. Identifiers: MedGen C0950123, MeSH D030342.

Allele frequency attached by ClinVar (database versions not stated): ExAC 0.00002; gnomAD exomes 0.00002; TOPMed 0.00004; gnomAD 0.00005 and 0.00006.
gnomAD v4.1: 18 of 1,613,998 alleles (0.0011%); highest among the groups gnomAD compares: Admixed American, 0.017%; no homozygotes.

Submissions (3):

Ambry Genetics
Classification: Uncertain significance for Inborn genetic diseases. Last evaluated: 2022-12-07. Review status: criteria provided, single submitter. Criteria: Ambry Variant Classification Scheme 2023. Collection method: clinical testing. Allele origin: germline.

Blueprint Genetics
Classification: Uncertain significance. Last evaluated: 2022-10-07. Review status: criteria provided, single submitter. Criteria: ACMG Guidelines, 2015. Collection method: clinical testing. Allele origin: germline.

Labcorp Genetics (formerly Invitae), Labcorp
Classification: Uncertain significance. Last evaluated: 2022-08-16. Review status: criteria provided, single submitter. Criteria: Invitae Variant Classification Sherloc (09022015). Collection method: clinical testing. Allele origin: germline.
Comment: This sequence change replaces valine, which is neutral and non-polar, with isoleucine, which is neutral and non-polar, at codon 203 of the P3H2 protein (p.Val203Ile). This variant is present in population databases (rs765474828, gnomAD 0.02%). This variant has not been reported in the literature in individuals affected with P3H2-related conditions. ClinVar contains an entry for this variant (Variation ID: 1519084). Algorithms developed to predict the effect of missense changes on protein structure and function output the following: SIFT: "Tolerated"; PolyPhen-2: "Benign"; Align-GVGD: "Class C0". The isoleucine amino acid residue is found in multiple mammalian species, which suggests that this missense change does not adversely affect protein function. In summary, the available evidence is currently insufficient to determine the role of this variant in disease. Therefore, it has been classified as a Variant of Uncertain Significance.